The following is an entry in ClinVar:

ClinVar aggregate classification (germline): Benign (1 of 4 stars; one submission).

Conditions:
RMP64-related condition.

gnomAD v4.1: 1,991 of 1,613,814 alleles (0.12%); highest among the groups gnomAD compares: East Asian, 3.5%; 39 homozygotes.

Submission:

PreventionGenetics, part of Exact Sciences
Classification: Benign for RMP64-related condition. Last evaluated: 2025-10-01. Review status: criteria provided, single submitter. Criteria: ACMG Guidelines, 2015. Collection method: clinical testing. Allele origin: germline.
Comment: This variant is classified as benign based on ACMG/AMP sequence variant interpretation guidelines (Richards et al. 2015 PMID: 25741868, with internal and published modifications).

NM_015412.4(RMP64):c.301G>A (p.Glu101Lys)

Gene: RMP64 (ribonuclease MRP subunit p64; minus strand). Cytogenetic location: 3q13.2.
Variant type: single nucleotide variant.
Coding change: c.301G>A on transcript NM_015412.4 (MANE Select); coding-DNA position 301, G replaced by A.
Protein change: p.Glu101Lys; replaces glutamic acid 101 with lysine.
Molecular consequence: missense variant. On other transcripts: 5 prime UTR variant (2), non-coding transcript variant (1).
Genome position (GRCh38, 1-based): chr3:113,013,993, C>T on the plus strand (G>A on the coding strand, the complement: RMP64 is on the minus strand). VCF-style: chr3-113013993-C-T. GRCh37 (hg19) VCF-style: chr3-112732840-C-T.
Other names: c.301G>A, p.Glu101Lys (NM_001319109.2); c.10G>A, p.Glu4Lys (NM_001319110.2, NM_001319112.2, NM_001319115.2); c.-68G>A (NM_001319111.2); c.-112G>A (NM_001319114.2); short protein forms E4K, E101K.
Identifiers: ClinVar variation 4980557 (VCV004980557.1).
Genomic context (GRCh38, chr3:113,013,993, plus strand): 5'-CAACTGGACCACTTACTTACTTGGAAGAAAACAACTCAAACAGGTCTTGAATTGAGCCCT[C>T]CAAATTCATGTTTTTCAAACGCTTTAAACATTGCTCAACCTGAAAGAAGAAGAGCAGTTC-3'
Protein context (NP_056227.2, residues 91-111): CLKRLKNMNL[Glu101Lys]GSIQDLFELF